The following is an entry in ClinVar:

ClinVar aggregate classification (germline): Benign/Likely benign. Review status: criteria provided, multiple submitters, no conflicts (2 of 4 stars). 4 submissions from 4 submitters: Benign (1); Likely benign (3). Last evaluated 2025-12-06.

Conditions:
Inborn genetic diseases. Identifiers: MedGen C0950123, MeSH D030342.
Junctional epidermolysis bullosa, non-Herlitz type. Also called: EPIDERMOLYSIS BULLOSA JUNCTIONALIS, DISENTIS TYPE; EPIDERMOLYSIS BULLOSA JUNCTIONALIS, NON-HERLITZ TYPE; EPIDERMOLYSIS BULLOSA JUNCTIONALIS, PROGRESSIVE; EPIDERMOLYSIS BULLOSA JUNCTIONALIS, SEVERE NONLETHAL; COL17A1-Related Junctional Epidermolysis Bullosa; Epidermolysis bullosa, junctional, non-herlitz type, somatic mosaic revertant. Identifiers: Orphanet 251393, Orphanet 79402, Orphanet 79405, Orphanet 89840, MedGen C0268374, MONDO:0009180, OMIM 226650.

Allele frequency attached by ClinVar (database versions not stated): gnomAD 0.00032 and 0.00049; ESP Exome Variant Server 0.00038; TOPMed 0.00040; gnomAD exomes 0.00054 and 0.00067; ExAC 0.00076; 1000 Genomes Project 30x 0.00156; 1000 Genomes Project 0.00200.
gnomAD v4.1: 872 of 1,614,130 alleles (0.054%); highest among the groups gnomAD compares: South Asian, 0.35%; 5 homozygotes.

Submissions (4):

Labcorp Genetics (formerly Invitae), Labcorp
Classification: Benign. Last evaluated: 2025-12-06. Review status: criteria provided, single submitter. Criteria: Invitae Variant Classification Sherloc (09022015). Collection method: clinical testing. Allele origin: germline.

Ambry Genetics
Classification: Likely benign for Inborn genetic diseases. Last evaluated: 2025-03-18. Review status: criteria provided, single submitter. Criteria: Ambry Variant Classification Scheme 2023. Collection method: clinical testing. Allele origin: germline.

Blueprint Genetics
Classification: Likely benign. Last evaluated: 2024-09-14. Review status: criteria provided, single submitter. Criteria: ACMG Guidelines, 2015. Collection method: clinical testing. Allele origin: germline.

Illumina Laboratory Services, Illumina
Classification: Likely benign for Junctional epidermolysis bullosa, non-Herlitz type. Last evaluated: 2018-01-12. Review status: criteria provided, single submitter. Criteria: ICSL Variant Classification Criteria 13 December 2019. Collection method: clinical testing. Allele origin: germline.
Comment: This variant was observed in the ICSL laboratory as part of a predisposition screen in an ostensibly healthy population. It had not been previously curated by ICSL or reported in the Human Gene Mutation Database (HGMD: prior to June 1st, 2018), and was therefore a candidate for classification through an automated scoring system. Utilizing variant allele frequency, disease prevalence and penetrance estimates, and inheritance mode, an automated score was calculated to assess if this variant is too frequent to cause the disease. Based on the score and internal cut-off values, a variant classified as likely benign is not then subjected to further curation. The score for this variant resulted in a classification of likely benign for this disease.

NM_000494.4(COL17A1):c.4033G>A (p.Gly1345Arg)

Gene: COL17A1 (collagen type XVII alpha 1 chain; minus strand). Cytogenetic location: 10q25.1.
Variant type: single nucleotide variant.
Coding change: c.4033G>A on transcript NM_000494.4 (MANE Select); coding-DNA position 4033, G replaced by A.
Protein change: p.Gly1345Arg; replaces glycine 1345 with arginine.
Molecular consequence: missense variant.
Genome position (GRCh38, 1-based): chr10:104,034,068, C>T on the plus strand (G>A on the coding strand, the complement: COL17A1 is on the minus strand). VCF-style: chr10-104034068-C-T. GRCh37 (hg19) VCF-style: chr10-105793826-C-T.
Other names: c.4033G>A, p.Gly1345Arg (LRG_1249t1); short protein forms G1345R.
Identifiers: ClinVar variation 298689 (VCV000298689.15), dbSNP rs140068476, ClinGen allele CA5677732.
Genomic context (GRCh38, chr10:104,034,068, plus strand): 5'-CTCCCAATAGTCCGCCATTGCCAGCATACATGCCGCCTTCTGCTGCTGCCCCATAGCCTC[C>T]GCCTGGGCCGATGTCAGTGCCATAGGGACCCCTGTCTCCTGCAGCTTCACCAAAGGCACC-3'
Protein context (NP_000485.3, residues 1335-1355): GPYGTDIGPG[Gly1345Arg]GYGAAAEGGM